The following is an entry in ClinVar:

ClinVar aggregate classification (germline): Uncertain significance (1 of 4 stars; one submission).

Conditions:
Noonan syndrome 9 (NS9). Identifiers: Orphanet 648, MedGen C4225282, MONDO:0014691, OMIM 616559.

gnomAD v4.1: 2 of 1,606,420 alleles (0.00012%); highest among the groups gnomAD compares: Non-Finnish European, 0.00017%; no homozygotes.

Submission:

Labcorp Genetics (formerly Invitae), Labcorp
Classification: Uncertain significance for Noonan syndrome 9. Last evaluated: 2025-02-04. Review status: criteria provided, single submitter. Criteria: Invitae Variant Classification Sherloc (09022015). Collection method: clinical testing. Allele origin: germline.
Comment: This sequence change replaces aspartic acid, which is acidic and polar, with valine, which is neutral and non-polar, at codon 327 of the SOS2 protein (p.Asp327Val). This variant is present in population databases (rs745592797, gnomAD 0.0009%). This variant has not been reported in the literature in individuals affected with SOS2-related conditions. Invitae Evidence Modeling of protein sequence and biophysical properties (such as structural, functional, and spatial information, amino acid conservation, physicochemical variation, residue mobility, and thermodynamic stability) indicates that this missense variant is not expected to disrupt SOS2 protein function with a negative predictive value of 95%. In summary, the available evidence is currently insufficient to determine the role of this variant in disease. Therefore, it has been classified as a Variant of Uncertain Significance.

NM_006939.4(SOS2):c.980A>T (p.Asp327Val)

Gene: SOS2 (SOS Ras/Rho guanine nucleotide exchange factor 2; minus strand). Cytogenetic location: 14q21.3.
Variant type: single nucleotide variant.
Coding change: c.980A>T on transcript NM_006939.4 (MANE Select); coding-DNA position 980, A replaced by T.
Protein change: p.Asp327Val; replaces aspartic acid 327 with valine.
Molecular consequence: missense variant. On other transcripts: intron variant (1).
Genome position (GRCh38, 1-based): chr14:50,174,542, T>A on the plus strand (A>T on the coding strand, the complement: SOS2 is on the minus strand). VCF-style: chr14-50174542-T-A. GRCh37 (hg19) VCF-style: chr14-50641260-T-A.
Other names: c.969+6030A>T (NM_001411020.1); short protein forms D327V.
Identifiers: ClinVar variation 3665886 (VCV003665886.2).